The following is an entry in ClinVar:

NM_004453.4(ETFDH):c.977G>A (p.Gly326Asp)

Gene: ETFDH (electron transfer flavoprotein dehydrogenase; plus strand). Cytogenetic location: 4q32.1.
Variant type: single nucleotide variant.
Coding change: c.977G>A on transcript NM_004453.4 (MANE Select); coding-DNA position 977, G replaced by A.
Protein change: p.Gly326Asp; replaces glycine 326 with aspartic acid.
Molecular consequence: missense variant.
Genome position (GRCh38, 1-based): chr4:158,698,991, G>A. VCF-style: chr4-158698991-G-A. GRCh37 (hg19) VCF-style: chr4-159620143-G-A.
Other names: c.836G>A, p.Gly279Asp (NM_001281737.2); c.794G>A, p.Gly265Asp (NM_001281738.1); short protein forms G279D, G326D, G265D.
Identifiers: ClinVar variation 3649515 (VCV003649515.2).

ClinVar aggregate classification (germline): Uncertain significance (1 of 4 stars; one submission).

Conditions:
Multiple acyl-CoA dehydrogenase deficiency (MADD). Also called: ETHYLMALONIC-ADIPICACIDURIA; GA II; Glutaric aciduria, type 2; Glutaric acidemia type II; GA 2; Glutaric Acidemia type 2. Identifiers: Orphanet 26791, MedGen C0268596, MONDO:0009282, OMIM 231680.

Submission:

Labcorp Genetics (formerly Invitae), Labcorp
Classification: Uncertain significance for Multiple acyl-CoA dehydrogenase deficiency. Last evaluated: 2024-04-10. Review status: criteria provided, single submitter. Criteria: Invitae Variant Classification Sherloc (09022015). Collection method: clinical testing. Allele origin: germline.
Comment: This sequence change replaces glycine, which is neutral and non-polar, with aspartic acid, which is acidic and polar, at codon 326 of the ETFDH protein (p.Gly326Asp). This variant is not present in population databases (gnomAD no frequency). This missense change has been observed in individual(s) with clinical features of multiple Acyl-CoA dehydrogenase deficiency (Invitae). Advanced modeling of protein sequence and biophysical properties (such as structural, functional, and spatial information, amino acid conservation, physicochemical variation, residue mobility, and thermodynamic stability) has been performed at Invitae for this missense variant, however the output from this modeling did not meet the statistical confidence thresholds required to predict the impact of this variant on ETFDH protein function. This variant disrupts the p.Gly326 amino acid residue in ETFDH. Other variant(s) that disrupt this residue have been observed in individuals with ETFDH-related conditions (PMID: 24357026), which suggests that this may be a clinically significant amino acid residue. In summary, the available evidence is currently insufficient to determine the role of this variant in disease. Therefore, it has been classified as a Variant of Uncertain Significance.

Literature cited by the submitters: PubMed 24357026.